The following is an entry in ClinVar:

ClinVar aggregate classification (germline): Likely pathogenic. Review status: criteria provided, multiple submitters, no conflicts (2 of 4 stars). 3 submissions from 3 submitters: Likely pathogenic (3). Last evaluated 2026-01-12.

Conditions:
Hereditary cancer-predisposing syndrome. Also called: Tumor predisposition; Hereditary Cancer Syndrome; Neoplastic Syndromes, Hereditary; Hereditary neoplastic syndrome. Identifiers: Orphanet 140162, MedGen C0027672, MeSH D009386, MONDO:0015356.
Familial multiple polyposis syndrome (FAP). Also called: Familial polyposis; Classic familial adenomatous polyposis; Familial Adenomatous Polyposis (FAP); Familial adenomatous polyposis; Familial intestinal polyposis. Identifiers: Orphanet 733, MedGen C0032580, MONDO:0021055. Disease mechanism: loss of function.

Submissions (3):

Ambry Genetics
Classification: Likely pathogenic for Hereditary cancer-predisposing syndrome. Last evaluated: 2026-01-12. Review status: criteria provided, single submitter. Criteria: Ambry Variant Classification Scheme 2023. Collection method: clinical testing. Allele origin: germline.
Comment: The c.5718delA variant, located in coding exon 15 of the APC gene, results from a deletion of one nucleotide at nucleotide position 5718, causing a translational frameshift with a predicted alternate stop codon (p.A1907Lfs*12). This alteration occurs at the 3' terminus of the gene, is not expected to trigger nonsense-mediated mRNA decay, and impacts the last 33% of the protein. However, premature stop codons are typically deleterious in nature and a significant portion of the protein is affected (Ambry internal data). This variant is considered to be rare based on population cohorts in the Genome Aggregation Database (gnomAD). Based on the majority of available evidence to date, this variant is likely to be pathogenic.

GeneDx
Classification: Likely pathogenic. Last evaluated: 2025-10-27. Review status: criteria provided, single submitter. Criteria: GeneDx Variant Classification Process June 2021. Collection method: clinical testing. Allele origin: germline. Affected: yes.
Comment: Has not been previously published as pathogenic or benign to our knowledge; Not observed at significant frequency in large population cohorts (gnomAD); Frameshift variant predicted to result in protein truncation or nonsense mediated decay in a gene for which loss of function is a known mechanism of disease

Laboratory for Molecular Medicine, Mass General Brigham Personalized Medicine
Classification: Likely pathogenic for Familial multiple polyposis syndrome. Last evaluated: 2016-07-26. Review status: criteria provided, single submitter. Criteria: LMM Criteria. Collection method: clinical testing. Allele origin: germline. Observed: 1 variant allele.
Comment: The p.Ala1907fs variant in APC has not been previously reported in individuals w ith familial adenomatous polyposis (FAP) or in large population studies. This va riant is predicted to cause a frameshift, which alters the protein's amino acid sequence beginning at position 1907 and leads to a premature termination codon 1 2 amino acids downstream. This termination codon occurs in the last exon and may escape nonsense mediated decay resulting in a truncated protein (925 amino acid s shorter). Loss-of-function APC variants in this exon have been reported in ind ividuals with FAP. In summary, although additional studies are required to fully establish its clinical significance, the p.Ala1907Leufs variant is likely patho genic.

NM_000038.6(APC):c.5718del (p.Ala1907fs)

Gene: APC (APC regulator of Wnt signaling pathway; plus strand). Cytogenetic location: 5q22.2.
Variant type: Deletion.
Coding change: c.5718del on transcript NM_000038.6 (MANE Select); coding-DNA position 5718, one base deleted (A; older notation c.5718delA).
Protein change: p.Ala1907fs; shifts the reading frame from alanine 1907.
Molecular consequence: frameshift variant.
Genome position (GRCh38, 1-based): chr5:112,841,312, A deleted. VCF-style (leftmost placement, unchanged base first): chr5-112841311-CA-C. GRCh37 (hg19) VCF-style: chr5-112177008-CA-C.
Other names: c.5718del, p.Ala1907fs (NM_001127510.3, NM_001354895.2); c.5664del, p.Ala1889fs (NM_001127511.3); c.5772del, p.Ala1925fs (NM_001354896.2); c.5748del, p.Ala1917fs (NM_001354897.2); c.5643del, p.Ala1882fs (NM_001354898.2); c.5634del, p.Ala1879fs (NM_001354899.2); c.5595del, p.Ala1866fs (NM_001354900.2); c.5541del, p.Ala1848fs (NM_001354901.2); and 7 more; short protein forms A1879fs, A1925fs, A1624fs, A1806fs, A1882fs, A1866fs, A1889fs, A1907fs.
Identifiers: ClinVar variation 504971 (VCV000504971.9), dbSNP rs1554086923, ClinGen allele CA658796578.